The following is an entry in ClinVar:

NM_005228.5(EGFR):c.541C>T (p.Gln181Ter)

Gene: EGFR (epidermal growth factor receptor; plus strand). Cytogenetic location: 7p11.2.
Variant type: single nucleotide variant.
Coding change: c.541C>T on transcript NM_005228.5 (MANE Select); coding-DNA position 541, C replaced by T.
Protein change: p.Gln181Ter; replaces glutamine 181 with a stop codon.
Molecular consequence: nonsense. On other transcripts: intron variant (3).
Genome position (GRCh38, 1-based): chr7:55,146,722, C>T. VCF-style: chr7-55146722-C-T. GRCh37 (hg19) VCF-style: chr7-55214415-C-T.
Other names: c.541C>T, p.Gln181Ter (NM_001346898.2, NM_201282.2, NM_201283.2 and 1 more transcripts); c.382C>T, p.Gln128Ter (NM_001346900.2); c.424+3234C>T (NM_001346899.2, NM_001346897.2); c.89-9108C>T (NM_001346941.2); short protein forms Q128*, Q181*.
Identifiers: ClinVar variation 3843770 (VCV003843770.1).
Genomic context (GRCh38, chr7:55,146,722, plus strand): 5'-AGCATCCAGTGGCGGGACATAGTCAGCAGTGACTTTCTCAGCAACATGTCGATGGACTTC[C>T]AGAACCACCTGGGCAGCTGTAAGTGTCGCATACACACTATCTCTGCCTCCAGCTCCTATG-3'

ClinVar aggregate classification (germline): Uncertain significance (1 of 4 stars; one submission).

Conditions:
Hereditary cancer-predisposing syndrome. Also called: Hereditary neoplastic syndrome; Neoplastic Syndromes, Hereditary; Tumor predisposition; Hereditary Cancer Syndrome. Identifiers: Orphanet 140162, MedGen C0027672, MeSH D009386, MONDO:0015356.

gnomAD v4.1: 1 of 1,614,176 alleles (0.000062%); highest among the groups gnomAD compares: Non-Finnish European, 0.000085%; no homozygotes.

Submission:

Ambry Genetics
Classification: Uncertain significance for Hereditary cancer-predisposing syndrome. Last evaluated: 2025-01-10. Review status: criteria provided, single submitter. Criteria: Ambry Variant Classification Scheme 2023. Collection method: clinical testing. Allele origin: germline.
Comment: The p.Q181* variant (also known as c.541C>T), located in coding exon 4 of the EGFR gene, results from a C to T substitution at nucleotide position 541. This changes the amino acid from a glutamine to a stop codon within coding exon 4. This alteration is expected to result in loss of function by premature protein truncation or nonsense-mediated mRNA decay. Loss-of-function variants subject to nonsense mediated decay in EGFR are known to cause EGFR-related neonatal inflammatory skin and bowel disease; however, such associations with EGFR-related lung cancer have not been reported. Based on the supporting evidence, this alteration is pathogenic for EGFR-related neonatal inflammatory skin and bowel disease; however, the association of this alteration with EGFR-related lung cancer is unknown.